The following is an entry in ClinVar:

ClinVar aggregate classification (germline): Uncertain significance (1 of 4 stars; one submission).

Submission:

GeneDx
Classification: Uncertain significance. Last evaluated: 2023-06-29. Review status: criteria provided, single submitter. Criteria: GeneDx Variant Classification Process June 2021. Collection method: clinical testing. Allele origin: germline. Affected: yes.
Comment: Not observed at significant frequency in large population cohorts (gnomAD); In silico analysis supports that this missense variant has a deleterious effect on protein structure/function; Has not been previously published as pathogenic or benign to our knowledge

NM_001375524.1(TRRAP):c.8921T>C (p.Met2974Thr)

Gene: TRRAP (transformation/transcription domain associated protein; plus strand). Cytogenetic location: 7q22.1.
Variant type: single nucleotide variant.
Coding change: c.8921T>C on transcript NM_001375524.1 (MANE Select); coding-DNA position 8921, T replaced by C.
Protein change: p.Met2974Thr; replaces methionine 2974 with threonine.
Molecular consequence: missense variant.
Genome position (GRCh38, 1-based): chr7:98,983,358, T>C. VCF-style: chr7-98983358-T-C. GRCh37 (hg19) VCF-style: chr7-98580981-T-C.
Other names: c.8900T>C, p.Met2967Thr (NM_001244580.2); c.8846T>C, p.Met2949Thr (NM_003496.4); short protein forms M2949T, M2967T, M2974T.
Identifiers: ClinVar variation 3360466 (VCV003360466.1).
Genomic context (GRCh38, chr7:98,983,358, plus strand): 5'-CACAAATCAACGCAGGCTTACAGCCAACCAACCTGGGAAGGAACAACAGCCTGCACGACA[T>C]GAAGACGGTGGTGAAGACCTGGAGGAACCGACTGCCCATCGTGTCTGACGACTTGTCCCA-3'
Protein context (NP_001362453.1, residues 2964-2984): NLGRNNSLHD[Met2974Thr]KTVVKTWRNR